The following is an entry in ClinVar:

NM_001994.3(F13B):c.302T>A (p.Ile101Asn)

Gene: F13B (coagulation factor XIII B chain; minus strand). Cytogenetic location: 1q31.3.
Variant type: single nucleotide variant.
Coding change: c.302T>A on transcript NM_001994.3 (MANE Select); coding-DNA position 302, T replaced by A.
Protein change: p.Ile101Asn; replaces isoleucine 101 with asparagine.
Molecular consequence: missense variant.
Genome position (GRCh38, 1-based): chr1:197,061,933, A>T on the plus strand (T>A on the coding strand, the complement: F13B is on the minus strand). VCF-style: chr1-197061933-A-T. GRCh37 (hg19) VCF-style: chr1-197031063-A-T.
Other names: p.Ile101Asn; short protein forms I101N.
Identifiers: ClinVar variation 4542132 (VCV004542132.1).

ClinVar aggregate classification (germline): Likely pathogenic (1 of 4 stars; one submission).

gnomAD v4.1: 42 of 1,612,810 alleles (0.0026%); highest among the groups gnomAD compares: Non-Finnish European, 0.0035%; no homozygotes.

Submission:

Mayo Clinic Laboratories, Mayo Clinic
Classification: Likely pathogenic. Last evaluated: 2024-12-10. Review status: criteria provided, single submitter. Criteria: ACMG Guidelines, 2015. Collection method: clinical testing. Allele origin: germline. Observed: 1 variant allele.
Comment: PP1, PM2_supporting, PS3

Literature cited by the submitters: PubMed 20331752; PubMed 23913518; PubMed 24408323; PubMed 26247044.